The following is an entry in ClinVar:

NM_001164508.2(NEB):c.6867_6869dup (p.Ala2290_Ile2291insAla)

Gene: NEB (nebulin; minus strand). Cytogenetic location: 2q23.3.
Variant type: Duplication.
Coding change: c.6867_6869dup on transcript NM_001164508.2 (MANE Select); coding-DNA positions 6867 to 6869, 3 bases duplicated (TGC; older notation c.6867_6869dupTGC).
Protein change: p.Ala2290_Ile2291insAla.
Molecular consequence: inframe insertion.
Genome position (GRCh38, 1-based): chr2:151,654,038-151,654,040, GCA duplicated on the plus strand (TGC on the coding strand, the reverse complement: NEB is on the minus strand). VCF-style (leftmost placement, unchanged base first): chr2-151654037-T-TGCA. GRCh37 (hg19) VCF-style: chr2-152510551-T-TGCA.
Other names: c.6867_6869dup, p.Ala2290_Ile2291insAla (NM_001164507.2, NM_001271208.2, NM_004543.5).
Identifiers: ClinVar variation 1911561 (VCV001911561.5), dbSNP rs2552251140, ClinGen allele CA2573332068.

ClinVar aggregate classification (germline): Uncertain significance (1 of 4 stars; one submission).

Conditions:
Nemaline myopathy 2 (NEM2). Also called: Nemaline myopathy 2, autosomal recessive. Identifiers: MedGen C1850569, MONDO:0009725, OMIM 256030.

Submission:

Labcorp Genetics (formerly Invitae), Labcorp
Classification: Uncertain significance for Nemaline myopathy 2. Last evaluated: 2023-08-17. Review status: criteria provided, single submitter. Criteria: Invitae Variant Classification Sherloc (09022015). Collection method: clinical testing. Allele origin: germline.
Comment: In summary, the available evidence is currently insufficient to determine the role of this variant in disease. Therefore, it has been classified as a Variant of Uncertain Significance. Experimental studies and prediction algorithms are not available or were not evaluated, and the functional significance of this variant is currently unknown. ClinVar contains an entry for this variant (Variation ID: 1911561). This variant has not been reported in the literature in individuals affected with NEB-related conditions. This variant is not present in population databases (gnomAD no frequency). This variant, c.6867_6869dup, results in the insertion of 1 amino acid(s) of the NEB protein (p.Ala2290dup), but otherwise preserves the integrity of the reading frame.